The following is an entry in ClinVar:

ClinVar aggregate classification (germline): Likely benign (1 of 4 stars; one submission).

Allele frequency attached by ClinVar (database versions not stated): gnomAD exomes below 0.00001; ExAC 0.00001.
gnomAD v4.1: 4 of 1,613,348 alleles (0.00025%); highest among the groups gnomAD compares: South Asian, 0.0044%; no homozygotes.

Submission:

CeGaT Center for Human Genetics Tuebingen
Classification: Likely benign. Last evaluated: 2022-05-01. Review status: criteria provided, single submitter. Criteria: CeGaT Center For Human Genetics Tuebingen Variant Classification Criteria Version 2. Collection method: clinical testing. Allele origin: germline. Affected: yes. Observed: 1 variant allele.
Comment: SGCE: BP4, BP7

NM_003919.3(SGCE):c.1206C>T (p.His402=)

Genes: CASD1 (CAS1 domain sialic acid O acetyltransferase 1; plus strand), SGCE (sarcoglycan epsilon; minus strand). Cytogenetic location: 7q21.3.
Variant type: single nucleotide variant.
Coding change: c.1206C>T on transcript NM_003919.3 (MANE Select); coding-DNA position 1206, C replaced by T.
Protein change: p.His402=; no amino-acid change (histidine 402 retained).
Molecular consequence: synonymous variant.
Genome position (GRCh38, 1-based): chr7:94,598,822, G>A on the plus strand (C>T on the coding strand, the complement: SGCE is on the minus strand). VCF-style: chr7-94598822-G-A. GRCh37 (hg19) VCF-style: chr7-94228134-G-A.
Other names: c.1092C>T, p.His364= (NM_001362807.2); c.906C>T, p.His302= (NM_001362808.2); c.1056C>T, p.His352= (NM_001362809.2); c.1179C>T, p.His393= (NM_001099400.2, NM_001346717.2); c.1206C>T, p.His402= (NM_001099401.2); c.1083C>T, p.His361= (NM_001301139.2); c.1314C>T, p.His438= (NM_001346713.2); c.1287C>T, p.His429= (NM_001346715.2); and 2 more.
Identifiers: ClinVar variation 2657683 (VCV002657683.24), dbSNP rs758680153, ClinGen allele CA4348606.